The following is an entry in ClinVar:

ClinVar aggregate classification (germline): Likely pathogenic (1 of 4 stars; one submission).

Conditions:
Methylmalonic aciduria and homocystinuria type cblD (MAHCD). Also called: METHYLMALONIC ACIDEMIA, cblH TYPE; Methylmalonic aciduria with homocystinuria cblD type. Identifiers: Orphanet 622, Orphanet 79283, MedGen C1848552, MONDO:0010185, OMIM 277410.

Submission:

Natera, Inc.
Classification: Likely pathogenic for Methylmalonic aciduria with homocystinuria cblD type. Last evaluated: 2025-03-17. Review status: criteria provided, single submitter. Criteria: Natera Variant Classification Schema (03/2026). Collection method: clinical testing. Allele origin: germline.
Comment: The c.110C>G variant in MMADHC is a nonsense variant predicted to introduce a stop codon at amino acid 37. This variant is expected to result in nonsense mediated decay, truncation, or a dysfunctional protein product. This variant is rare in the general population with a frequency below the threshold expected for the associated phenotype(s). Given the available evidence, this variant is classified as Likely Pathogenic.

NM_015702.3(MMADHC):c.110C>G (p.Ser37Ter)

Gene: MMADHC (metabolism of cobalamin associated D; minus strand). Cytogenetic location: 2q23.2.
Variant type: single nucleotide variant.
Coding change: c.110C>G on transcript NM_015702.3 (MANE Select); coding-DNA position 110, C replaced by G.
Protein change: p.Ser37Ter; replaces serine 37 with a stop codon.
Molecular consequence: nonsense.
Genome position (GRCh38, 1-based): chr2:149,582,171, G>C on the plus strand (C>G on the coding strand, the complement: MMADHC is on the minus strand). VCF-style: chr2-149582171-G-C. GRCh37 (hg19) VCF-style: chr2-150438685-G-C.
Other names: short protein forms S37*.
Identifiers: ClinVar variation 4057829 (VCV004057829.2).